The following is an entry in ClinVar:

NM_017654.4(SAMD9):c.245C>T (p.Ser82Leu)

Gene: SAMD9 (sterile alpha motif domain containing 9; minus strand). Cytogenetic location: 7q21.2.
Variant type: single nucleotide variant.
Coding change: c.245C>T on transcript NM_017654.4 (MANE Select); coding-DNA position 245, C replaced by T.
Protein change: p.Ser82Leu; replaces serine 82 with leucine.
Molecular consequence: missense variant.
Genome position (GRCh38, 1-based): chr7:93,105,853, G>A on the plus strand (C>T on the coding strand, the complement: SAMD9 is on the minus strand). VCF-style: chr7-93105853-G-A. GRCh37 (hg19) VCF-style: chr7-92735166-G-A.
Other names: c.245C>T, p.Ser82Leu (NM_001193307.2); short protein forms S82L.
Identifiers: ClinVar variation 2444886 (VCV002444886.7), dbSNP rs755238026, ClinGen allele CA4343183.
Genomic context (GRCh38, chr7:93,105,853, plus strand): 5'-GACACAGTTTGGTCTTTAGGAGCATTTTTACTGGGCTTTCCCATCTTAGATGTCTGAATC[G>A]AATCTTCAATGGCTGTTTTCCGCAATTCTTTGAATAGTTCTTCTATTTGAATAGCTGGTC-3'
Protein context (NP_060124.2, residues 72-92): KELRKTAIED[Ser82Leu]IQTSKMGKPS

ClinVar aggregate classification (germline): Uncertain significance. Review status: criteria provided, multiple submitters, no conflicts (2 of 4 stars). 4 submissions from 4 submitters: Uncertain significance (4). Last evaluated 2025-08-28.

Conditions:
Monosomy 7 myelodysplasia and leukemia syndrome 2. Identifiers: MedGen C5436668, MONDO:0030801, OMIM 619041.
Inborn genetic diseases. Identifiers: MedGen C0950123, MeSH D030342.

Allele frequency attached by ClinVar (database versions not stated): TOPMed 0.00001; ExAC 0.00001; gnomAD 0.00001.
gnomAD v4.1: 14 of 1,613,926 alleles (0.00087%); highest among the groups gnomAD compares: Admixed American, 0.0067%; no homozygotes.

Submissions (4):

Ambry Genetics
Classification: Uncertain significance for Inborn genetic diseases. Last evaluated: 2025-08-28. Review status: criteria provided, single submitter. Criteria: Ambry Variant Classification Scheme 2023. Collection method: clinical testing. Allele origin: germline.

Labcorp Genetics (formerly Invitae), Labcorp
Classification: Uncertain significance. Last evaluated: 2025-07-28. Review status: criteria provided, single submitter. Criteria: Invitae Variant Classification Sherloc (09022015). Collection method: clinical testing. Allele origin: germline.
Comment: This sequence change replaces serine, which is neutral and polar, with leucine, which is neutral and non-polar, at codon 82 of the SAMD9 protein (p.Ser82Leu). This variant is present in population databases (rs755238026, gnomAD 0.007%). This variant has not been reported in the literature in individuals affected with SAMD9-related conditions. ClinVar contains an entry for this variant (Variation ID: 2444886). Invitae Evidence Modeling of protein sequence and biophysical properties (such as structural, functional, and spatial information, amino acid conservation, physicochemical variation, residue mobility, and thermodynamic stability) indicates that this missense variant is not expected to disrupt SAMD9 protein function with a negative predictive value of 95%. In summary, the available evidence is currently insufficient to determine the role of this variant in disease. Therefore, it has been classified as a Variant of Uncertain Significance.

GeneDx
Classification: Uncertain significance. Last evaluated: 2023-10-27. Review status: criteria provided, single submitter. Criteria: GeneDx Variant Classification Process June 2021. Collection method: clinical testing. Allele origin: germline. Affected: yes.
Comment: Not observed at significant frequency in large population cohorts (gnomAD); In silico analysis supports that this missense variant does not alter protein structure/function; Has not been previously published as pathogenic or benign to our knowledge

St. Jude Molecular Pathology, St. Jude Children's Research Hospital
Classification: Uncertain significance for Monosomy 7 myelodysplasia and leukemia syndrome 2. Last evaluated: 2022-10-13. Review status: criteria provided, single submitter. Criteria: St. Jude Assertion Criteria 2020. Collection method: clinical testing. Allele origin: germline.
Comment: The SAMD9 c.245C>T (p.Ser82Leu) missense change has a maximum subpopulation frequency of 0.0062% in gnomAD v2.1.1. The in silico tool REVEL predicts a benign effect on protein function, but to our knowledge this prediction has not been confirmed by functional studies. However, in silico predictions have not been found to correlate with syndromic risk and are thus not considered supporting evidence of a pathogenic or benign effect (PMID: 34621053). To our knowledge, this variant has not been reported in individuals with SAMD9-associated conditions. In summary, the evidence currently available is insufficient to determine the clinical significance of this variant. It has therefore been classified as of uncertain significance.